The following is an entry in ClinVar:

ClinVar aggregate classification (germline): Uncertain significance. Review status: criteria provided, multiple submitters, no conflicts (2 of 4 stars). 2 submissions from 2 submitters: Uncertain significance (2). Last evaluated 2024-05-09.

Conditions:
Inborn genetic diseases. Identifiers: MedGen C0950123, MeSH D030342.

Allele frequency attached by ClinVar (database versions not stated): TOPMed 0.00001.
gnomAD v4.1: 1 of 1,595,336 alleles (0.000063%); no homozygotes.

Submissions (2):

Ambry Genetics
Classification: Uncertain significance for Inborn genetic diseases. Last evaluated: 2024-05-09. Review status: criteria provided, single submitter. Criteria: Ambry Variant Classification Scheme 2023. Collection method: clinical testing. Allele origin: germline.

Labcorp Genetics (formerly Invitae), Labcorp
Classification: Uncertain significance. Last evaluated: 2022-11-22. Review status: criteria provided, single submitter. Criteria: Invitae Variant Classification Sherloc (09022015). Collection method: clinical testing. Allele origin: germline.
Comment: Algorithms developed to predict the effect of missense changes on protein structure and function are either unavailable or do not agree on the potential impact of this missense change (SIFT: "Deleterious"; PolyPhen-2: "Possibly Damaging"; Align-GVGD: "Class C0"). In summary, the available evidence is currently insufficient to determine the role of this variant in disease. Therefore, it has been classified as a Variant of Uncertain Significance. ClinVar contains an entry for this variant (Variation ID: 1519427). This variant has not been reported in the literature in individuals affected with AP3B2-related conditions. This variant is not present in population databases (gnomAD no frequency). This sequence change replaces arginine, which is basic and polar, with glycine, which is neutral and non-polar, at codon 307 of the AP3B2 protein (p.Arg307Gly).

NM_001278512.2(AP3B2):c.919C>G (p.Arg307Gly)

Genes: AP3B2 (adaptor related protein complex 3 subunit beta 2; minus strand), CPEB1-AS1 (CPEB1 antisense RNA 1; plus strand). Cytogenetic location: 15q25.2.
Variant type: single nucleotide variant.
Coding change: c.919C>G on transcript NM_001278512.2 (MANE Select); coding-DNA position 919, C replaced by G.
Protein change: p.Arg307Gly; replaces arginine 307 with glycine.
Molecular consequence: missense variant.
Genome position (GRCh38, 1-based): chr15:82,680,608, G>C on the plus strand (C>G on the coding strand, the complement: AP3B2 is on the minus strand). VCF-style: chr15-82680608-G-C. GRCh37 (hg19) VCF-style: chr15-83349360-G-C.
Other names: c.919C>G (NM_004644.3); c.823C>G, p.Arg275Gly (NM_001278511.2); c.919C>G, p.Arg307Gly (NM_004644.5); short protein forms R307G, R275G.
Identifiers: ClinVar variation 1519427 (VCV001519427.7), dbSNP rs2048321502, ClinGen allele CA393294958.